The following is an entry in ClinVar:

NM_003024.3(ITSN1):c.3606G>A (p.Gly1202=)

Gene: ITSN1 (intersectin 1; plus strand). Cytogenetic location: 21q22.11.
Variant type: single nucleotide variant.
Coding change: c.3606G>A on transcript NM_003024.3 (MANE Select); coding-DNA position 3606, G replaced by A.
Protein change: p.Gly1202=; no amino-acid change (glycine 1202 retained).
Molecular consequence: synonymous variant.
Genome position (GRCh38, 1-based): chr21:33,836,577, G>A. VCF-style: chr21-33836577-G-A. GRCh37 (hg19) VCF-style: chr21-35208881-G-A.
Other names: c.3606G>A, p.Gly1202= (NM_001001132.2); c.3393G>A, p.Gly1131= (NM_001331008.2); c.3591G>A, p.Gly1197= (NM_001331009.2, NM_001331010.2); c.3378G>A, p.Gly1126= (NM_001331011.2); c.3480G>A, p.Gly1160= (NM_001331012.2).
Identifiers: ClinVar variation 3029563 (VCV003029563.2), dbSNP rs369651938, ClinGen allele CA10012197.

ClinVar aggregate classification (germline): Likely benign (0 of 4 stars; one submission).

Conditions:
ITSN1-related disorder. Also called: ITSN1-related condition.

Allele frequency attached by ClinVar (database versions not stated): ExAC 0.00008; ESP Exome Variant Server 0.00008; gnomAD 0.00016; TOPMed 0.00017.
gnomAD v4.1: 51 of 1,614,038 alleles (0.0032%); highest among the groups gnomAD compares: African/African-American, 0.067%; no homozygotes.

Submission:

PreventionGenetics, part of Exact Sciences
Classification: Likely benign for ITSN1-related condition. Last evaluated: 2022-02-09. Review status: no assertion criteria provided. Collection method: clinical testing. Allele origin: germline.
Comment: This variant is classified as likely benign based on ACMG/AMP sequence variant interpretation guidelines (Richards et al. 2015 PMID: 25741868, with internal and published modifications).